The following is an entry in ClinVar:

ClinVar aggregate classification (germline): Uncertain significance (1 of 4 stars; one submission).

gnomAD v4.1: 1 of 1,610,842 alleles (0.000062%); highest among the groups gnomAD compares: Non-Finnish European, 0.000085%; no homozygotes.

Submission:

GeneDx
Classification: Uncertain significance. Last evaluated: 2024-05-30. Review status: criteria provided, single submitter. Criteria: GeneDx Variant Classification Process June 2021. Collection method: clinical testing. Allele origin: germline. Affected: yes.
Comment: Not observed at significant frequency in large population cohorts (gnomAD); In silico analysis supports that this missense variant has a deleterious effect on protein structure/function; Has not been previously published as pathogenic or benign to our knowledge

NM_033163.5(FGF8):c.616C>T (p.Arg206Trp)

Gene: FGF8 (fibroblast growth factor 8; minus strand). Cytogenetic location: 10q24.32.
Variant type: single nucleotide variant.
Coding change: c.616C>T on transcript NM_033163.5 (MANE Select); coding-DNA position 616, C replaced by T.
Protein change: p.Arg206Trp; replaces arginine 206 with tryptophan.
Molecular consequence: missense variant.
Genome position (GRCh38, 1-based): chr10:101,770,448, G>A on the plus strand (C>T on the coding strand, the complement: FGF8 is on the minus strand). VCF-style: chr10-101770448-G-A. GRCh37 (hg19) VCF-style: chr10-103530205-G-A.
Other names: c.304C>T, p.Arg102Trp (NM_001206389.2); c.529C>T, p.Arg177Trp (NM_006119.6); c.583C>T, p.Arg195Trp (NM_033164.4); c.496C>T, p.Arg166Trp (NM_033165.5); short protein forms R102W, R166W, R177W, R195W, R206W.
Identifiers: ClinVar variation 3383730 (VCV003383730.1).